The following is an entry in ClinVar:

ClinVar aggregate classification (germline): Uncertain significance. Review status: criteria provided, multiple submitters, no conflicts (2 of 4 stars). 3 submissions from 3 submitters: Uncertain significance (3). Last evaluated 2024-11-13.

Conditions:
Hereditary cancer-predisposing syndrome. Also called: Tumor predisposition; Hereditary neoplastic syndrome; Neoplastic Syndromes, Hereditary; Hereditary Cancer Syndrome. Identifiers: Orphanet 140162, MedGen C0027672, MeSH D009386, MONDO:0015356.
Ataxia-telangiectasia syndrome (AT). Also called: Ataxia-telangiectasia, complementation group D; AT, COMPLEMENTATION GROUP C; ATAXIA-TELANGIECTASIA, COMPLEMENTATION GROUP A; ATAXIA-TELANGIECTASIA, FRESNO VARIANT; Ataxia-telangiectasia; LOUIS-BAR SYNDROME. Identifiers: Orphanet 100, MedGen C0004135, MONDO:0008840, OMIM 208900.

Submissions (3):

Color Diagnostics, LLC DBA Color Health
Classification: Uncertain significance for Hereditary cancer-predisposing syndrome. Last evaluated: 2024-11-13. Review status: criteria provided, single submitter. Criteria: ACMG Guidelines, 2015. Collection method: clinical testing. Allele origin: germline.
Comment: This missense variant replaces alanine with serine at codon 2308 of the ATM protein. Computational prediction is inconclusive regarding the impact of this variant on protein structure and function (internally defined REVEL score threshold 0.5 < inconclusive < 0.7, PMID: 27666373). To our knowledge, functional studies have not been reported for this variant. This variant has not been reported in individuals affected with ATM-related disorders in the literature. This variant has not been identified in the general population by the Genome Aggregation Database (gnomAD). The available evidence is insufficient to determine the role of this variant in disease conclusively. Therefore, this variant is classified as a Variant of Uncertain Significance.

Ambry Genetics
Classification: Uncertain significance for Hereditary cancer-predisposing syndrome. Last evaluated: 2022-12-21. Review status: criteria provided, single submitter. Criteria: Ambry Variant Classification Scheme 2023. Collection method: clinical testing. Allele origin: germline.
Comment: The p.A2308S variant (also known as c.6922G>T), located in coding exon 46 of the ATM gene, results from a G to T substitution at nucleotide position 6922. The alanine at codon 2308 is replaced by serine, an amino acid with similar properties. This amino acid position is highly conserved in available vertebrate species. In addition, this alteration is predicted to be deleterious by in silico analysis. Since supporting evidence is limited at this time, the clinical significance of this alteration remains unclear.

Labcorp Genetics (formerly Invitae), Labcorp
Classification: Uncertain significance for Ataxia-telangiectasia syndrome. Last evaluated: 2021-08-31. Review status: criteria provided, single submitter. Criteria: Invitae Variant Classification Sherloc (09022015). Collection method: clinical testing. Allele origin: germline.
Comment: This sequence change replaces alanine with serine at codon 2308 of the ATM protein (p.Ala2308Ser). The alanine residue is highly conserved and there is a moderate physicochemical difference between alanine and serine. This variant is not present in population databases (ExAC no frequency). This variant has not been reported in the literature in individuals affected with ATM-related conditions. Algorithms developed to predict the effect of missense changes on protein structure and function (SIFT, PolyPhen-2, Align-GVGD) all suggest that this variant is likely to be disruptive. In summary, the available evidence is currently insufficient to determine the role of this variant in disease. Therefore, it has been classified as a Variant of Uncertain Significance.

NM_000051.4(ATM):c.6922G>T (p.Ala2308Ser)

Genes: ATM (ATM serine/threonine kinase; plus strand), C11orf65 (chromosome 11 open reading frame 65; minus strand). Cytogenetic location: 11q22.3.
Variant type: single nucleotide variant.
Coding change: c.6922G>T on transcript NM_000051.4 (MANE Select); coding-DNA position 6922, G replaced by T.
Protein change: p.Ala2308Ser; replaces alanine 2308 with serine.
Molecular consequence: missense variant. On other transcripts: intron variant (2).
Genome position (GRCh38, 1-based): chr11:108,326,172, G>T. VCF-style: chr11-108326172-G-T. GRCh37 (hg19) VCF-style: chr11-108196899-G-T.
Other names: c.6922G>T, p.Ala2308Ser (NM_001351834.2); c.641-17101C>A (NM_001330368.2); c.*38+9048C>A (NM_001351110.2); short protein forms A2308S.
Identifiers: ClinVar variation 661649 (VCV000661649.12), dbSNP rs1591134072, ClinGen allele CA382557094.
Genomic context (GRCh38, chr11:108,326,172, plus strand): 5'-GTCTCTGAGTGGCAGCTGGAAGAAGCACAAGTATTCTGGGCAAAAAAGGAGCAGAGTCTT[G>T]CCCTGAGTATTCTCAAGCAAATGATCAAGAAGTTGGATGCCAGCTGTGCAGCGGTTTGTT-3'
Protein context (NP_000042.3, residues 2298-2318): VFWAKKEQSL[Ala2308Ser]LSILKQMIKK